The following is an entry in ClinVar:

ClinVar aggregate classification (germline): Pathogenic (1 of 4 stars; one submission).

Conditions:
Intellectual developmental disorder, autosomal dominant 22. Also called: Intellectual disability, autosomal dominant 22. Identifiers: MedGen CN029689, MONDO:0012869, OMIM 612337.

Submission:

Victorian Clinical Genetics Services, Murdoch Childrens Research Institute
Classification: Pathogenic for Intellectual developmental disorder, autosomal dominant 22. Last evaluated: 2024-12-23. Review status: criteria provided, single submitter. Criteria: ACMG Guidelines, 2015. Collection method: clinical testing. Allele origin: germline. Affected: yes.
Comment: This variant is classified as Pathogenic. Evidence in support of pathogenic classification: Variant is absent from gnomAD (v2, v3 and v4); Another missense variant comparable to the one identified in this case has limited previous evidence for pathogenicity. p.(Cys452Tyr) has been classified as likely pathogenic in a de novo individual by a clinical laboratory in ClinVar; Variant is located in the well-established functional zinc finger, C2H2 type domain and affects a critical cysteine residue (DECIPHER); Missense variant predicted to be damaging by in silico tool(s) or highly conserved with a major amino acid change; Additional information: Variant is predicted to result in a missense amino acid change from cysteine to arginine; This variant is heterozygous; This gene is associated with autosomal dominant disease; This variant has no previous evidence of pathogenicity; No published segregation evidence has been identified for this variant; No published functional evidence has been identified for this variant; Loss of function is a known mechanism of disease in this gene and is associated with intellectual developmental disorder, autosomal dominant 22 (MIM#612337).

NM_205768.3(ZBTB18):c.1354T>C (p.Cys452Arg)

Gene: ZBTB18 (zinc finger and BTB domain containing 18; plus strand). Cytogenetic location: 1q44.
Variant type: single nucleotide variant.
Coding change: c.1354T>C on transcript NM_205768.3 (MANE Select); coding-DNA position 1354, T replaced by C.
Protein change: p.Cys452Arg; replaces cysteine 452 with arginine.
Molecular consequence: missense variant. On other transcripts: 3 prime UTR variant (1).
Genome position (GRCh38, 1-based): chr1:244,055,128, T>C. VCF-style: chr1-244055128-T-C. GRCh37 (hg19) VCF-style: chr1-244218430-T-C.
Other names: c.1327T>C, p.Cys443Arg (NM_001278196.2, NM_006352.5); c.*531T>C (NM_001421566.1); short protein forms C443R, C452R.
Identifiers: ClinVar variation 4531409 (VCV004531409.1).